The following is an entry in ClinVar:

NM_004171.4(SLC1A2):c.254T>C (p.Leu85Pro)

Gene: SLC1A2 (solute carrier family 1 member 2; minus strand). Cytogenetic location: 11p13.
Variant type: single nucleotide variant.
Coding change: c.254T>C on transcript NM_004171.4 (MANE Select); coding-DNA position 254, T replaced by C.
Protein change: p.Leu85Pro; replaces leucine 85 with proline.
Molecular consequence: missense variant.
Genome position (GRCh38, 1-based): chr11:35,315,079, A>G on the plus strand (T>C on the coding strand, the complement: SLC1A2 is on the minus strand). VCF-style: chr11-35315079-A-G. GRCh37 (hg19) VCF-style: chr11-35336626-A-G.
Other names: c.227T>C, p.Leu76Pro (NM_001195728.3, NM_001252652.2); short protein forms L85P, L76P.
Identifiers: ClinVar variation 254266 (VCV000254266.7), dbSNP rs886037943, ClinGen allele CA10586392.

ClinVar aggregate classification (germline): Conflicting classifications of pathogenicity. Review status: criteria provided, conflicting classifications (1 of 4 stars). 3 submissions from 3 submitters: Pathogenic (1); Uncertain significance (1). 1 of the submissions does not count toward it. Last evaluated 2023-10-13.

Conditions:
Developmental and epileptic encephalopathy, 41 (DEE41). Also called: Epileptic encephalopathy, early infantile, 41. Identifiers: MedGen C4310717, MONDO:0014916, OMIM 617105.
Inborn genetic diseases. Identifiers: MedGen C0950123, MeSH D030342.

Submissions (3):

Labcorp Genetics (formerly Invitae), Labcorp
Classification: Pathogenic. Last evaluated: 2023-10-13. Review status: criteria provided, single submitter. Criteria: Invitae Variant Classification Sherloc (09022015). Collection method: clinical testing. Allele origin: germline.
Comment: This sequence change replaces leucine, which is neutral and non-polar, with proline, which is neutral and non-polar, at codon 85 of the SLC1A2 protein (p.Leu85Pro). This variant is not present in population databases (gnomAD no frequency). This missense change has been observed in individual(s) with epileptic encephalopathy (PMID: 27476654, 30937933). In at least one individual the variant was observed to be de novo. ClinVar contains an entry for this variant (Variation ID: 254266). Advanced modeling of protein sequence and biophysical properties (such as structural, functional, and spatial information, amino acid conservation, physicochemical variation, residue mobility, and thermodynamic stability) performed at Invitae indicates that this missense variant is expected to disrupt SLC1A2 protein function. Experimental studies have shown that this missense change affects SLC1A2 function (PMID: 30937933, 34961934). For these reasons, this variant has been classified as Pathogenic.

Ambry Genetics
Classification: Uncertain significance for Inborn genetic diseases. Last evaluated: 2023-07-25. Review status: criteria provided, single submitter. Criteria: Ambry Variant Classification Scheme 2023. Collection method: clinical testing. Allele origin: germline.
Comment: The c.254T>C (p.L85P) alteration is located in exon 3 (coding exon 3) of the SLC1A2 gene. This alteration results from a T to C substitution at nucleotide position 254, causing the leucine (L) at amino acid position 85 to be replaced by a proline (P). This variant was not reported in population-based cohorts in the Genome Aggregation Database (gnomAD). This variant has been determined to be the result of a de novo mutation in one individual with features consistent with SLC1A2-related developmental and epileptic encephalopathy (Myers, 2016). This amino acid position is highly conserved in available vertebrate species. Functional studies show that the p.L85P alteration decreases transport activity (Stergachis, 2019; Qu, 2022; Kovermann, 2022). The in silico prediction for this alteration is inconclusive. Based on insufficient or conflicting evidence, the clinical significance of this alteration remains unclear.

OMIM
Classification: Pathogenic for DEVELOPMENTAL AND EPILEPTIC ENCEPHALOPATHY 41. Last evaluated: 2013-09-12. Review status: no assertion criteria provided. Collection method: literature only. Allele origin: germline. Not counted in ClinVar's aggregate classification.

Literature cited by the submitters: PubMed 27476654 (cited by Labcorp Genetics (formerly Invitae), Labcorp and Ambry Genetics); PubMed 30937933 (cited by Labcorp Genetics (formerly Invitae), Labcorp and Ambry Genetics); PubMed 34961934 (cited by Labcorp Genetics (formerly Invitae), Labcorp and Ambry Genetics); PubMed 36543780 (cited by Ambry Genetics); PubMed 23934111 (cited by OMIM).